The following is an entry in ClinVar:

ClinVar aggregate classification (germline): Conflicting classifications of pathogenicity. Review status: criteria provided, conflicting classifications (1 of 4 stars). 4 submissions from 4 submitters: Uncertain significance (2); Likely benign (2). Last evaluated 2024-01-17.

Conditions:
Hereditary cancer-predisposing syndrome. Also called: Neoplastic Syndromes, Hereditary; Tumor predisposition; Hereditary Cancer Syndrome; Hereditary neoplastic syndrome. Identifiers: Orphanet 140162, MedGen C0027672, MeSH D009386, MONDO:0015356.
Hereditary breast ovarian cancer syndrome. Also called: BRCA1- and BRCA2-Associated Hereditary Breast and Ovarian Cancer; Hereditary breast and ovarian cancer syndrome; Hereditary breast and ovarian cancer; Hereditary breast and ovarian cancer syndrome (HBOC); Breast and ovarian cancer; Hereditary breast and/or ovarian cancer syndrome. Identifiers: Orphanet 145, MedGen C0677776, MeSH D061325, MONDO:0003582. Disease mechanism: loss of function.

gnomAD v4.1: 3 of 1,606,198 alleles (0.00019%); highest among the groups gnomAD compares: African/African-American, 0.0027%; no homozygotes.

Submissions (4):

Ambry Genetics
Classification: Likely benign for Hereditary cancer-predisposing syndrome. Last evaluated: 2024-01-17. Review status: criteria provided, single submitter. Criteria: Ambry Variant Classification Scheme 2023. Collection method: clinical testing. Allele origin: germline.

University of Washington Department of Laboratory Medicine, University of Washington
Classification: Likely benign for Hereditary cancer-predisposing syndrome. Last evaluated: 2023-03-23. Review status: criteria provided, single submitter. Criteria: Dines et al. (Genet Med. 2020). Collection method: curation. Allele origin: germline.
Comment: Missense variant in a coldspot region where missense variants are very unlikely to be pathogenic (PMID:31911673).

BRCA2 exon 11 coldspot. Reclassification based on statistical prior probability.

Labcorp Genetics (formerly Invitae), Labcorp
Classification: Uncertain significance for Hereditary breast ovarian cancer syndrome. Last evaluated: 2021-09-08. Review status: criteria provided, single submitter. Criteria: Invitae Variant Classification Sherloc (09022015). Collection method: clinical testing. Allele origin: germline.
Comment: This sequence change replaces threonine with serine at codon 2125 of the BRCA2 protein (p.Thr2125Ser). The threonine residue is weakly conserved and there is a small physicochemical difference between threonine and serine. This variant is not present in population databases (ExAC no frequency). This variant has not been reported in the literature in individuals affected with BRCA2-related conditions. ClinVar contains an entry for this variant (Variation ID: 920954). Advanced modeling of protein sequence and biophysical properties (such as structural, functional, and spatial information, amino acid conservation, physicochemical variation, residue mobility, and thermodynamic stability) performed at Invitae indicates that this missense variant is not expected to disrupt BRCA2 protein function. In summary, the available evidence is currently insufficient to determine the role of this variant in disease. Therefore, it has been classified as a Variant of Uncertain Significance.

Color Diagnostics, LLC DBA Color Health
Classification: Uncertain significance for Hereditary cancer-predisposing syndrome. Last evaluated: 2019-10-01. Review status: criteria provided, single submitter. Criteria: ACMG Guidelines, 2015. Collection method: clinical testing. Allele origin: germline.
Comment: This missense variant replaces threonine with serine at codon 2125 of the BRCA2 protein. Computational prediction suggests that this variant may not impact protein structure and function (internally defined REVEL score threshold <= 0.5, PMID: 27666373). Splice site prediction tools suggest that this variant may not impact RNA splicing. To our knowledge, functional studies have not been performed for this variant. This variant has not been reported in individuals affected with hereditary cancer in the literature. This variant has not been identified in the general population by the Genome Aggregation Database (gnomAD). The available evidence is insufficient to determine the role of this variant in disease conclusively. Therefore, this variant is classified as a Variant of Uncertain Significance.

NM_000059.4(BRCA2):c.6374C>G (p.Thr2125Ser)

Gene: BRCA2 (BRCA2 DNA repair associated; plus strand). Cytogenetic location: 13q13.1.
Variant type: single nucleotide variant.
Coding change: c.6374C>G on transcript NM_000059.4 (MANE Select); coding-DNA position 6374, C replaced by G.
Protein change: p.Thr2125Ser; replaces threonine 2125 with serine.
Molecular consequence: missense variant.
Genome position (GRCh38, 1-based): chr13:32,340,729, C>G. VCF-style: chr13-32340729-C-G. GRCh37 (hg19) VCF-style: chr13-32914866-C-G.
Other names: short protein forms T2125S.
Identifiers: ClinVar variation 920954 (VCV000920954.10), dbSNP rs776937022, ClinGen allele CA387789179.